The following is an entry in ClinVar:

ClinVar aggregate classification (germline): Uncertain significance (1 of 4 stars; one submission).

Submission:

Labcorp Genetics (formerly Invitae), Labcorp
Classification: Uncertain significance. Last evaluated: 2022-02-13. Review status: criteria provided, single submitter. Criteria: Invitae Variant Classification Sherloc (09022015). Collection method: clinical testing. Allele origin: germline.
Comment: In summary, the available evidence is currently insufficient to determine the role of this variant in disease. Therefore, it has been classified as a Variant of Uncertain Significance. Experimental studies and prediction algorithms are not available or were not evaluated, and the functional significance of this variant is currently unknown. This variant has not been reported in the literature in individuals affected with TBXAS1-related conditions. This variant is a gross deletion of the genomic region encompassing exon(s) 5 of the TBXAS1 gene. This variant would be expected to be in-frame, preserving the integrity of the reading frame.

NC_000007.13:g.(?_139635970)_(139636126_?)del

Gene: TBXAS1 (thromboxane A synthase 1; plus strand). Cytogenetic location: 7q34.
Variant type: Deletion.
Identifiers: ClinVar variation 2423591 (VCV002423591.4).